The following is an entry in ClinVar:

ClinVar aggregate classification (germline): Benign/Likely benign. Review status: criteria provided, multiple submitters, no conflicts (2 of 4 stars). 3 submissions from 3 submitters: Benign (2); Likely benign (1). Last evaluated 2026-01-21.

Conditions:
Inborn genetic diseases. Identifiers: MedGen C0950123, MeSH D030342.
Koolen-de Vries syndrome (KDVS). Identifiers: Orphanet 96169, MedGen C1864871, MONDO:0012496, OMIM 610443.

Allele frequency attached by ClinVar (database versions not stated): gnomAD below 0.00001 and 0.00016; TOPMed 0.00005; ExAC 0.00060; 1000 Genomes Project 30x 0.00172; 1000 Genomes Project 0.00200.
gnomAD v4.1: 479 of 1,614,166 alleles (0.03%); highest among the groups gnomAD compares: South Asian, 0.49%; 6 homozygotes.

Submissions (3):

Labcorp Genetics (formerly Invitae), Labcorp
Classification: Benign for Koolen-de Vries syndrome. Last evaluated: 2026-01-21. Review status: criteria provided, single submitter. Criteria: Invitae Variant Classification Sherloc (09022015). Collection method: clinical testing. Allele origin: germline.

Ambry Genetics
Classification: Likely benign for Inborn genetic diseases. Last evaluated: 2024-08-14. Review status: criteria provided, single submitter. Criteria: Ambry Variant Classification Scheme 2023. Collection method: clinical testing. Allele origin: germline.

GeneDx
Classification: Benign. Last evaluated: 2015-11-04. Review status: criteria provided, single submitter. Criteria: GeneDx Variant Classification (06012015). Collection method: clinical testing. Allele origin: germline. Affected: yes.
Comment: This variant is considered likely benign or benign based on one or more of the following criteria: it is a conservative change, it occurs at a poorly conserved position in the protein, it is predicted to be benign by multiple in silico algorithms, and/or has population frequency not consistent with disease.

NM_015443.4(KANSL1):c.2683C>G (p.Leu895Val)

Gene: KANSL1 (KAT8 regulatory NSL complex subunit 1). Cytogenetic location: 17q21.31.
Variant type: single nucleotide variant.
Coding change: c.2683C>G on transcript NM_015443.4 (MANE Select); coding-DNA position 2683, C replaced by G.
Protein change: p.Leu895Val; replaces leucine 895 with valine.
Molecular consequence: missense variant.
Genome position (GRCh38, 1-based): chr17:46,033,444, G>C on the plus strand (C>G on the coding strand, the complement: KANSL1 is on the minus strand). VCF-style: chr17-46033444-G-C. GRCh37 (hg19) VCF-style: chr17-44110810-G-C.
Other names: p.L895V:CTT>GTT; c.2680C>G, p.Leu894Val (NM_001193465.2); c.2683C>G, p.Leu895Val (NM_001193466.2, NM_001379198.1); short protein forms L895V, L894V.
Identifiers: ClinVar variation 205799 (VCV000205799.13), dbSNP rs555819683, ClinGen allele CA315225.